The following is an entry in ClinVar:

NM_000551.4(VHL):c.255G>T (p.Leu85=)

Gene: VHL (von Hippel-Lindau tumor suppressor; plus strand). Cytogenetic location: 3p25.3.
Variant type: single nucleotide variant.
Coding change: c.255G>T on transcript NM_000551.4 (MANE Select); coding-DNA position 255, G replaced by T.
Protein change: p.Leu85=; no amino-acid change (leucine 85 retained).
Molecular consequence: synonymous variant.
Genome position (GRCh38, 1-based): chr3:10,142,102, G>T. VCF-style: chr3-10142102-G-T. GRCh37 (hg19) VCF-style: chr3-10183786-G-T.
Other names: c.255G>T, p.Leu85= (NM_001354723.2, NM_198156.3).
Identifiers: ClinVar variation 486711 (VCV000486711.17), dbSNP rs876658508, ClinGen allele CA432420475.

ClinVar aggregate classification (germline): Benign/Likely benign. Review status: criteria provided, multiple submitters, no conflicts (2 of 4 stars). 3 submissions from 3 submitters: Benign (1); Likely benign (2). Last evaluated 2026-01-15.

Conditions:
Chuvash polycythemia. Also called: POLYCYTHEMIA, VHL-DEPENDENT. Identifiers: Orphanet 238557, MedGen C1837915, MONDO:0009892, OMIM 263400.
Von Hippel-Lindau syndrome (VHLS). Also called: VHL syndrome; Von Hippel-Lindau; von Hippel–Lindau syndrome. Identifiers: Orphanet 892, MedGen C0019562, MONDO:0008667, OMIM 193300. Disease mechanism: loss of function.
Hereditary cancer-predisposing syndrome. Also called: Tumor predisposition; Neoplastic Syndromes, Hereditary; Hereditary Cancer Syndrome; Hereditary neoplastic syndrome. Identifiers: Orphanet 140162, MedGen C0027672, MeSH D009386, MONDO:0015356.

gnomAD v4.1: 2 of 1,603,550 alleles (0.00012%); highest among the groups gnomAD compares: Middle Eastern, 0.017%; no homozygotes.

Submissions (3):

Labcorp Genetics (formerly Invitae), Labcorp
Classification: Likely benign for Von Hippel-Lindau syndrome; Chuvash polycythemia. Last evaluated: 2026-01-15. Review status: criteria provided, single submitter. Criteria: Invitae Variant Classification Sherloc (09022015). Collection method: clinical testing. Allele origin: germline.

Myriad Genetics, Inc.
Classification: Benign for Von Hippel-Lindau syndrome. Last evaluated: 2025-06-10. Review status: criteria provided, single submitter. Criteria: Myriad Autosomal Dominant, Autosomal Recessive and X-Linked Classification Criteria (2023). Collection method: clinical testing. Allele origin: unknown.
Comment: This variant is considered benign. This variant is a silent/synonymous amino acid change and it is not expected to impact splicing.

Ambry Genetics
Classification: Likely benign for Hereditary cancer-predisposing syndrome. Last evaluated: 2016-09-23. Review status: criteria provided, single submitter. Criteria: Ambry Variant Classification Scheme 2023. Collection method: clinical testing. Allele origin: germline.